The following is an entry in ClinVar:

ClinVar aggregate classification (germline): Uncertain significance. Review status: criteria provided, multiple submitters, no conflicts (2 of 4 stars). 4 submissions from 4 submitters: Uncertain significance (4). Last evaluated 2024-10-31.

Conditions:
Atrioventricular septal defect 4 (AVSD4). Identifiers: MedGen C3280781, MONDO:0013747, OMIM 614430.
Cardiovascular phenotype. Identifiers: MedGen CN230736.

Allele frequency attached by ClinVar (database versions not stated): gnomAD exomes below 0.00001; TOPMed below 0.00001.
gnomAD v4.1: 1 of 1,613,806 alleles (0.000062%); highest among the groups gnomAD compares: Admixed American, 0.0017%; no homozygotes.

Submissions (4):

Blueprint Genetics
Classification: Uncertain significance. Last evaluated: 2024-10-31. Review status: criteria provided, single submitter. Criteria: ACMG Guidelines, 2015. Collection method: clinical testing. Allele origin: germline.

GeneDx
Classification: Uncertain significance. Last evaluated: 2024-09-09. Review status: criteria provided, single submitter. Criteria: GeneDx Variant Classification Process June 2021. Collection method: clinical testing. Allele origin: germline. Affected: yes.
Comment: Has not been previously reported in peer-reviewed literature as pathogenic or benign to our knowledge. However, in an abstract by Muona et al. (2017), T280S was observed in a family with dilated cardiomyopathy (Muona et al. (2017) Analytic Validation of Whole Exome Sequencing for Clinical Diagnostics of Inherited Disorders. [Abstract], European Society of Human Genetics 2017 Annual Meeting); Not observed at significant frequency in large population cohorts (gnomAD); In silico analysis supports that this missense variant has a deleterious effect on protein structure/function

Labcorp Genetics (formerly Invitae), Labcorp
Classification: Uncertain significance for Atrioventricular septal defect 4. Last evaluated: 2024-06-17. Review status: criteria provided, single submitter. Criteria: Invitae Variant Classification Sherloc (09022015). Collection method: clinical testing. Allele origin: germline.
Comment: This sequence change replaces threonine, which is neutral and polar, with serine, which is neutral and polar, at codon 280 of the GATA4 protein (p.Thr280Ser). This variant is present in population databases (no rsID available, gnomAD 0.003%). This variant has not been reported in the literature in individuals affected with GATA4-related conditions. ClinVar contains an entry for this variant (Variation ID: 1253738). Advanced modeling of protein sequence and biophysical properties (such as structural, functional, and spatial information, amino acid conservation, physicochemical variation, residue mobility, and thermodynamic stability) performed at Invitae indicates that this missense variant is expected to disrupt GATA4 protein function with a positive predictive value of 80%. In summary, the available evidence is currently insufficient to determine the role of this variant in disease. Therefore, it has been classified as a Variant of Uncertain Significance.

Ambry Genetics
Classification: Uncertain significance for Cardiovascular phenotype. Last evaluated: 2022-08-10. Review status: criteria provided, single submitter. Criteria: Ambry Variant Classification Scheme 2023. Collection method: clinical testing. Allele origin: germline.
Comment: The p.T280S variant (also known as c.838A>T), located in coding exon 3 of the GATA4 gene, results from an A to T substitution at nucleotide position 838. The threonine at codon 280 is replaced by serine, an amino acid with similar properties. This amino acid position is conserved. In addition, this alteration is predicted to be deleterious by in silico analysis. Since supporting evidence is limited at this time, the clinical significance of this alteration remains unclear.

NM_001308093.3(GATA4):c.841A>T (p.Thr281Ser)

Gene: GATA4 (GATA binding protein 4). Cytogenetic location: 8p23.1.
Variant type: single nucleotide variant.
Coding change: c.841A>T on transcript NM_001308093.3 (MANE Select); coding-DNA position 841, A replaced by T.
Protein change: p.Thr281Ser; replaces threonine 281 with serine.
Molecular consequence: missense variant. On other transcripts: intron variant (1).
Genome position (GRCh38, 1-based): chr8:11,750,165, A>T. VCF-style: chr8-11750165-A-T. GRCh37 (hg19) VCF-style: chr8-11607674-A-T.
Other names: c.220A>T, p.Thr74Ser (NM_001308094.2, NM_001374273.1); c.838A>T, p.Thr280Ser (NM_002052.5); c.165+1080A>T (NM_001374274.1); short protein forms T280S, T281S, T74S.
Identifiers: ClinVar variation 1253738 (VCV001253738.10), dbSNP rs1356876573, ClinGen allele CA370313010.